The following is an entry in ClinVar:

NM_175737.4(KLB):c.1799C>G (p.Ala600Gly)

Gene: KLB (klotho beta; plus strand). Cytogenetic location: 4p14.
Variant type: single nucleotide variant.
Coding change: c.1799C>G on transcript NM_175737.4 (MANE Select); coding-DNA position 1799, C replaced by G.
Protein change: p.Ala600Gly; replaces alanine 600 with glycine.
Molecular consequence: missense variant.
Genome position (GRCh38, 1-based): chr4:39,446,525, C>G. VCF-style: chr4-39446525-C-G. GRCh37 (hg19) VCF-style: chr4-39448145-C-G.
Other names: short protein forms A600G.
Identifiers: ClinVar variation 2975136 (VCV002975136.3), dbSNP rs2474964236, ClinGen allele CA356655934.

ClinVar aggregate classification (germline): Uncertain significance (1 of 4 stars; one submission).

Allele frequency attached by ClinVar (database versions not stated): gnomAD exomes below 0.00001.
gnomAD v4.1: 1 of 1,614,224 alleles (0.000062%); highest among the groups gnomAD compares: Non-Finnish European, 0.000085%; no homozygotes.

Submission:

Labcorp Genetics (formerly Invitae), Labcorp
Classification: Uncertain significance. Last evaluated: 2025-10-26. Review status: criteria provided, single submitter. Criteria: Invitae Variant Classification Sherloc (09022015). Collection method: clinical testing. Allele origin: germline.
Comment: This sequence change replaces alanine, which is neutral and non-polar, with glycine, which is neutral and non-polar, at codon 600 of the KLB protein (p.Ala600Gly). This variant is not present in population databases (gnomAD no frequency). This variant has not been reported in the literature in individuals affected with KLB-related conditions. ClinVar contains an entry for this variant (Variation ID: 2975136). Invitae Evidence Modeling of protein sequence and biophysical properties (such as structural, functional, and spatial information, amino acid conservation, physicochemical variation, residue mobility, and thermodynamic stability) indicates that this missense variant is not expected to disrupt KLB protein function with a negative predictive value of 80%. In summary, the available evidence is currently insufficient to determine the role of this variant in disease. Therefore, it has been classified as a Variant of Uncertain Significance.